The following is an entry in ClinVar:

ClinVar aggregate classification (germline): Pathogenic (1 of 4 stars; one submission).

Conditions:
Neurofibromatosis, type 1 (NF1). Also called: VON RECKLINGHAUSEN DISEASE; NEUROFIBROMATOSIS, TYPE I, SOMATIC; Peripheral type neurofibromatosis; Neurofibromatosis, type I. Identifiers: Orphanet 636, MedGen C0027831, MONDO:0018975, OMIM 162200. Disease mechanism: loss of function.

Submission:

Labcorp Genetics (formerly Invitae), Labcorp
Classification: Pathogenic for Neurofibromatosis, type 1. Last evaluated: 2025-12-01. Review status: criteria provided, single submitter. Criteria: Invitae Variant Classification Sherloc (09022015). Collection method: clinical testing. Allele origin: germline.
Comment: This sequence change creates a premature translational stop signal (p.Ala1226Valfs*14) in the NF1 gene. It is expected to result in an absent or disrupted protein product. Loss-of-function variants in NF1 are known to be pathogenic (PMID: 10712197, 23913538). This variant is not present in population databases (gnomAD no frequency). This variant has not been reported in the literature in individuals affected with NF1-related conditions. ClinVar contains an entry for this variant (Variation ID: 3718009). For these reasons, this variant has been classified as Pathogenic.

Literature cited by the submitters: PubMed 10712197; PubMed 23913538.

NM_001042492.3(NF1):c.3677del (p.Ala1226fs)

Gene: NF1 (neurofibromin 1; plus strand). Cytogenetic location: 17q11.2.
Variant type: Deletion.
Coding change: c.3677del on transcript NM_001042492.3 (MANE Select); coding-DNA position 3677, one base deleted (C; older notation c.3677delC).
Protein change: p.Ala1226fs; shifts the reading frame from alanine 1226.
Molecular consequence: frameshift variant.
Genome position (GRCh38, 1-based): chr17:31,233,182, C deleted. VCF-style (leftmost placement, unchanged base first): chr17-31233181-GC-G. GRCh37 (hg19) VCF-style: chr17-29560199-GC-G.
Other names: c.3677delC, p.Ala1226Valfs (NM_000267.4); short protein forms A1226fs.
Identifiers: ClinVar variation 3718009 (VCV003718009.2).